The following is an entry in ClinVar:

ClinVar aggregate classification (germline): Uncertain significance (1 of 4 stars; one submission).

Allele frequency attached by ClinVar (database versions not stated): gnomAD exomes below 0.00001.
gnomAD v4.1: 1 of 1,614,202 alleles (0.000062%); highest among the groups gnomAD compares: Non-Finnish European, 0.000085%; no homozygotes.

Submission:

Labcorp Genetics (formerly Invitae), Labcorp
Classification: Uncertain significance. Last evaluated: 2021-02-11. Review status: criteria provided, single submitter. Criteria: Invitae Variant Classification Sherloc (09022015). Collection method: clinical testing. Allele origin: germline.
Comment: In summary, the available evidence is currently insufficient to determine the role of this variant in disease. Therefore, it has been classified as a Variant of Uncertain Significance. Algorithms developed to predict the effect of missense changes on protein structure and function (SIFT, PolyPhen-2, Align-GVGD) all suggest that this variant is likely to be disruptive, but these predictions have not been confirmed by published functional studies and their clinical significance is uncertain. This variant has not been reported in the literature in individuals with TRPM1-related conditions. This variant is not present in population databases (ExAC no frequency). This sequence change replaces glutamic acid with lysine at codon 822 of the TRPM1 protein (p.Glu822Lys). The glutamic acid residue is highly conserved and there is a small physicochemical difference between glutamic acid and lysine.

NM_001252024.2(TRPM1):c.2530G>A (p.Glu844Lys)

Gene: TRPM1 (transient receptor potential cation channel subfamily M member 1; minus strand). Cytogenetic location: 15q13.3.
Variant type: single nucleotide variant.
Coding change: c.2530G>A on transcript NM_001252024.2 (MANE Select); coding-DNA position 2530, G replaced by A.
Protein change: p.Glu844Lys; replaces glutamic acid 844 with lysine.
Molecular consequence: missense variant.
Genome position (GRCh38, 1-based): chr15:31,037,752, C>T on the plus strand (G>A on the coding strand, the complement: TRPM1 is on the minus strand). VCF-style: chr15-31037752-C-T. GRCh37 (hg19) VCF-style: chr15-31329955-C-T.
Other names: c.2581G>A, p.Glu861Lys (NM_001252020.2); c.2464G>A, p.Glu822Lys (NM_002420.6); short protein forms E822K, E844K, E861K.
Identifiers: ClinVar variation 1468377 (VCV001468377.8), dbSNP rs2140923708, ClinGen allele CA391547011.